The following is an entry in ClinVar:

NM_018489.3(ASH1L):c.1030A>G (p.Ile344Val)

Gene: ASH1L (ASH1 like histone lysine methyltransferase; minus strand). Cytogenetic location: 1q22.
Variant type: single nucleotide variant.
Coding change: c.1030A>G on transcript NM_018489.3 (MANE Select); coding-DNA position 1030, A replaced by G.
Protein change: p.Ile344Val; replaces isoleucine 344 with valine.
Molecular consequence: missense variant.
Genome position (GRCh38, 1-based): chr1:155,481,840, T>C on the plus strand (A>G on the coding strand, the complement: ASH1L is on the minus strand). VCF-style: chr1-155481840-T-C. GRCh37 (hg19) VCF-style: chr1-155451631-T-C.
Other names: c.1030A>G, p.Ile344Val (NM_001366177.2); short protein forms I344V.
Identifiers: ClinVar variation 2096789 (VCV002096789.4), dbSNP rs1342280920, ClinGen allele CA342739438.
Genomic context (GRCh38, chr1:155,481,840, plus strand): 5'-CAGTGCCAAGTCCTAACTTCTTGCCAGACTCTTTATGCACTAAACCTGGAACAATACCAA[T>C]TCCTAGCTTCTTTCCTGAATCTTTGCTTAGCAGTCCTACTGTAGTGATAGTTCCTGGCTT-3'
Protein context (NP_060959.2, residues 334-354): LSKDSGKKLG[Ile344Val]GIVPGLVHKE

ClinVar aggregate classification (germline): Uncertain significance (1 of 4 stars; one submission).

Allele frequency attached by ClinVar (database versions not stated): gnomAD exomes below 0.00001; gnomAD 0.00001.
gnomAD v4.1: 3 of 1,614,086 alleles (0.00019%); highest among the groups gnomAD compares: Non-Finnish European, 0.00025%; no homozygotes.

Submission:

Labcorp Genetics (formerly Invitae), Labcorp
Classification: Uncertain significance. Last evaluated: 2022-02-11. Review status: criteria provided, single submitter. Criteria: Invitae Variant Classification Sherloc (09022015). Collection method: clinical testing. Allele origin: germline.
Comment: This variant has not been reported in the literature in individuals affected with ASH1L-related conditions. In summary, the available evidence is currently insufficient to determine the role of this variant in disease. Therefore, it has been classified as a Variant of Uncertain Significance. Algorithms developed to predict the effect of missense changes on protein structure and function (SIFT, PolyPhen-2, Align-GVGD) all suggest that this variant is likely to be tolerated. The frequency data for this variant in the population databases is considered unreliable, as metrics indicate poor data quality at this position in the gnomAD database. This sequence change replaces isoleucine, which is neutral and non-polar, with valine, which is neutral and non-polar, at codon 344 of the ASH1L protein (p.Ile344Val).